The following is an entry in ClinVar:

ClinVar aggregate classification (germline): Pathogenic/Likely pathogenic. Review status: criteria provided, multiple submitters, no conflicts (2 of 4 stars). 3 submissions from 3 submitters: Pathogenic (1); Likely pathogenic (2). Last evaluated 2023-03-27.

Conditions:
TRIM32-related disorder. Also called: TRIM32-related condition.

Submissions (3):

PreventionGenetics, part of Exact Sciences
Classification: Likely pathogenic for TRIM32-related condition. Last evaluated: 2023-03-27. Review status: criteria provided, single submitter. Criteria: ACMG Guidelines, 2015. Collection method: clinical testing. Allele origin: germline.
Comment: The TRIM32 c.196_205del10 variant is predicted to result in a frameshift and premature protein termination (p.Lys66Alafs*2). To our knowledge, this variant has not been reported in the literature or in a large population database, indicating this variant is rare. Frameshift variants in TRIM32 are expected to be pathogenic. This variant is interpreted as likely pathogenic.

Blueprint Genetics
Classification: Likely pathogenic for TRIM32-related disorders. Last evaluated: 2021-10-01. Review status: criteria provided, single submitter. Criteria: ACMG Guidelines, 2015. Collection method: clinical testing. Allele origin: germline. Affected: yes. Observed: 1 variant allele.

Genetic Services Laboratory, University of Chicago
Classification: Pathogenic. Last evaluated: 2016-12-30. Review status: criteria provided, single submitter. Criteria: ACMG Guidelines, 2015. Collection method: clinical testing. Allele origin: germline. Affected: yes.

NM_012210.4(TRIM32):c.196_205del (p.Lys66fs)

Genes: ASTN2 (astrotactin 2; minus strand), TRIM32 (tripartite motif containing 32; plus strand). Cytogenetic location: 9q33.1.
Variant type: Deletion.
Coding change: c.196_205del on transcript NM_012210.4 (MANE Select); coding-DNA positions 196 to 205, 10 bases deleted (AAGATTACCC; older notation c.196_205delAAGATTACCC).
Protein change: p.Lys66fs; shifts the reading frame from lysine 66.
Molecular consequence: frameshift variant. On other transcripts: intron variant (3).
Genome position (GRCh38, 1-based): chr9:116,697,938-116,697,947, AAGATTACCC deleted; deleting any 10 consecutive bases within chr9:116,697,937-116,697,947 gives the same sequence; the c. name uses the placement nearest the transcript's 3' end. VCF-style (leftmost placement, unchanged base first): chr9-116697936-GCAAGATTACC-G. GRCh37 (hg19) VCF-style: chr9-119460215-GCAAGATTACC-G.
Other names: c.196_205del10 (NM_012210.3); c.196_205del, p.Lys66fs (NM_001099679.2, NM_001379048.1, NM_001379049.1 and 1 more transcripts); c.196_205delAAGATTACCC, p.Lys66Alafs (NM_012210.3); c.2653+27825_2653+27834del (NM_014010.5); c.2794+27825_2794+27834del (NM_001365069.1); c.2806+27825_2806+27834del (NM_001365068.1); short protein forms K66fs.
Identifiers: ClinVar variation 437053 (VCV000437053.8), dbSNP rs1554732623, ClinGen allele CA645372869.